The following is an entry in ClinVar:

ClinVar aggregate classification (germline): Uncertain significance (1 of 4 stars; one submission).

Submission:

Ambry Genetics
Classification: Uncertain significance. Last evaluated: 2022-09-28. Review status: criteria provided, single submitter. Criteria: Ambry Variant Classification Scheme 2023. Collection method: clinical testing. Allele origin: germline.
Comment: The p.Y978C variant (also known as c.2933A>G), located in coding exon 4 of the ALPK2 gene, results from an A to G substitution at nucleotide position 2933. The tyrosine at codon 978 is replaced by cysteine, an amino acid with highly dissimilar properties. This amino acid position is conserved. In addition, this alteration is predicted to be tolerated by in silico analysis. Since supporting evidence is limited at this time, the clinical significance of this alteration remains unclear.

NM_052947.4(ALPK2):c.2933A>G (p.Tyr978Cys)

Gene: ALPK2 (alpha kinase 2; minus strand). Cytogenetic location: 18q21.31.
Variant type: single nucleotide variant.
Coding change: c.2933A>G on transcript NM_052947.4 (MANE Select); coding-DNA position 2933, A replaced by G.
Protein change: p.Tyr978Cys; replaces tyrosine 978 with cysteine.
Molecular consequence: missense variant.
Genome position (GRCh38, 1-based): chr18:58,537,254, T>C on the plus strand (A>G on the coding strand, the complement: ALPK2 is on the minus strand). VCF-style: chr18-58537254-T-C. GRCh37 (hg19) VCF-style: chr18-56204486-T-C.
Other names: short protein forms Y978C.
Identifiers: ClinVar variation 1797838 (VCV001797838.2), dbSNP rs368275149, ClinGen allele CA402569464.